The following is an entry in ClinVar:

NM_000257.4(MYH7):c.649G>C (p.Glu217Gln)

Gene: MYH7 (myosin heavy chain 7; minus strand). Cytogenetic location: 14q11.2.
Variant type: single nucleotide variant.
Coding change: c.649G>C on transcript NM_000257.4 (MANE Select); coding-DNA position 649, G replaced by C.
Protein change: p.Glu217Gln; replaces glutamic acid 217 with glutamine.
Molecular consequence: missense variant.
Genome position (GRCh38, 1-based): chr14:23,431,668, C>G on the plus strand (G>C on the coding strand, the complement: MYH7 is on the minus strand). VCF-style: chr14-23431668-C-G. GRCh37 (hg19) VCF-style: chr14-23900877-C-G.
Other names: p.E217Q:GAG>CAG; c.649G>C (LRG_384t1); short protein forms E217Q.
Identifiers: ClinVar variation 181317 (VCV000181317.2), dbSNP rs730880847, ClinGen allele CA016603.
Genomic context (GRCh38, chr14:23,431,668, plus strand): 5'-GGACGGTCTTGGCATTGCCAAAGGCCTCCAGAGCAGGGTTGGCCTGGATGATCTGGTCCT[C>G]CAGGGTGCCCTGCAGAGGCCAAGAAGGAGGCAGGTGAGAGCTCTTCTCCCTCCCTTTCTG-3'
Protein context (NP_000248.2, residues 207-227): KDQSPGKGTL[Glu217Gln]DQIIQANPAL

ClinVar aggregate classification (germline): Likely pathogenic (1 of 4 stars; one submission).

Submission:

GeneDx
Classification: Likely pathogenic. Last evaluated: 2013-11-26. Review status: criteria provided, single submitter. Criteria: GeneDx Variant Classification (06012015). Collection method: clinical testing. Allele origin: germline. Affected: yes.
Comment: p.Glu217Gln (GAG>CAG): c.649 G>C in exon 8 of the MYH7 gene (NM_000257.2). The Glu217Gln variant in the MYH7 gene has not been reported as a disease-causing mutation or as a benign polymorphism to our knowledge. Glu217Gln is a semi-conservative amino acid substitution as these residues share similar properties, but differ in size, charge, or other properties which may impact secondary structure. The Glu217 residue is highly conserved across species, and consequently, in silico analysis predicts Glu217Gln is damaging to the protein structure/function. Mutations in surrounding residues (Leu216Val, Gln219Glu) have been reported in association with HCM, supporting the functional importance of this region of the protein. Furthermore, the Glu217Gln variant was not observed in approximately 6500 individuals of European and African American ancestry in the NHLBI Exome Sequencing Project, indicating it is not a common benign variant in these populations.In summary, Glu217Gln is a good candidate for a disease-causing mutation. The variant is found in CARDIOMYOPATHY panel(s).